The following is an entry in ClinVar:

NM_000426.4(LAMA2):c.409G>A (p.Ala137Thr)

Gene: LAMA2 (laminin subunit alpha 2; plus strand). Cytogenetic location: 6q22.33.
Variant type: single nucleotide variant.
Coding change: c.409G>A on transcript NM_000426.4 (MANE Select); coding-DNA position 409, G replaced by A.
Protein change: p.Ala137Thr; replaces alanine 137 with threonine.
Molecular consequence: missense variant.
Genome position (GRCh38, 1-based): chr6:129,098,185, G>A. VCF-style: chr6-129098185-G-A. GRCh37 (hg19) VCF-style: chr6-129419330-G-A.
Other names: c.409G>A, p.Ala137Thr (NM_001079823.2); short protein forms A137T.
Identifiers: ClinVar variation 642958 (VCV000642958.16), dbSNP rs368349321, ClinGen allele CA3992332.

ClinVar aggregate classification (germline): Conflicting classifications of pathogenicity. Review status: criteria provided, conflicting classifications (1 of 4 stars). 4 submissions from 4 submitters: Uncertain significance (3); Likely benign (1). Last evaluated 2026-01-25.

Conditions:
Merosin deficient congenital muscular dystrophy (MDC1A). Also called: Congenital merosin-deficient muscular dystrophy 1A; Congenital Muscular Dystrophy Type 1A (MDC1A). Identifiers: Orphanet 258, MedGen C1263858, MONDO:0011925, OMIM 607855.
Congenital muscular dystrophy due to partial LAMA2 deficiency. Identifiers: MedGen C1842898.
Muscular dystrophy, limb-girdle, autosomal recessive 23. Identifiers: Orphanet 565837, MedGen C4748327, MONDO:0029136, OMIM 618138.
LAMA2-related muscular dystrophy (LAMA2-RD). Also called: Laminin alpha 2-related dystrophy. Identifiers: MedGen C5679788, MONDO:0100228.

Allele frequency attached by ClinVar (database versions not stated): gnomAD 0.00006 and 0.00007; TOPMed 0.00006; ExAC 0.00007; ESP Exome Variant Server 0.00008; gnomAD exomes 0.00011.
gnomAD v4.1: 166 of 1,613,836 alleles (0.01%); highest among the groups gnomAD compares: Non-Finnish European, 0.012%; 1 homozygote.

Submissions (4):

Labcorp Genetics (formerly Invitae), Labcorp
Classification: Likely benign for LAMA2-related muscular dystrophy. Last evaluated: 2026-01-25. Review status: criteria provided, single submitter. Criteria: Invitae Variant Classification Sherloc (09022015). Collection method: clinical testing. Allele origin: germline.

Revvity Omics, Revvity
Classification: Uncertain significance. Last evaluated: 2024-12-10. Review status: criteria provided, single submitter. Criteria: ACMG Guidelines, 2015. Collection method: clinical testing. Allele origin: germline.

Fulgent Genetics
Classification: Uncertain significance for Merosin deficient congenital muscular dystrophy; Muscular dystrophy, limb-girdle, autosomal recessive 23. Last evaluated: 2021-10-15. Review status: criteria provided, single submitter. Criteria: ACMG Guidelines, 2015. Collection method: clinical testing. Allele origin: unknown.

Illumina Laboratory Services, Illumina
Classification: Uncertain significance for Congenital muscular dystrophy due to partial LAMA2 deficiency. Last evaluated: 2018-01-13. Review status: criteria provided, single submitter. Criteria: ICSL Variant Classification Criteria 13 December 2019. Collection method: clinical testing. Allele origin: germline.